The following is an entry in ClinVar:

NM_000051.4(ATM):c.5710A>T (p.Lys1904Ter)

Gene: ATM (ATM serine/threonine kinase; plus strand). Cytogenetic location: 11q22.3.
Variant type: single nucleotide variant.
Coding change: c.5710A>T on transcript NM_000051.4 (MANE Select); coding-DNA position 5710, A replaced by T.
Protein change: p.Lys1904Ter; replaces lysine 1904 with a stop codon.
Molecular consequence: nonsense.
Genome position (GRCh38, 1-based): chr11:108,307,932, A>T. VCF-style: chr11-108307932-A-T. GRCh37 (hg19) VCF-style: chr11-108178659-A-T.
Other names: c.5710A>T, p.Lys1904Ter (NM_001351834.2); short protein forms K1904*.
Identifiers: ClinVar variation 2003302 (VCV002003302.4), dbSNP rs2547005564, ClinGen allele CA382547883.

ClinVar aggregate classification (germline): Pathogenic (1 of 4 stars; one submission).

Conditions:
Ataxia-telangiectasia syndrome (AT). Also called: Ataxia-telangiectasia, complementation group E; Ataxia-telangiectasia; ATAXIA-TELANGIECTASIA, COMPLEMENTATION GROUP A; Ataxia-telangiectasia, complementation group D; Ataxia telangiectasia (A-T); LOUIS-BAR SYNDROME. Identifiers: Orphanet 100, MedGen C0004135, MONDO:0008840, OMIM 208900.

Submission:

Labcorp Genetics (formerly Invitae), Labcorp
Classification: Pathogenic for Ataxia-telangiectasia syndrome. Last evaluated: 2022-06-08. Review status: criteria provided, single submitter. Criteria: Invitae Variant Classification Sherloc (09022015). Collection method: clinical testing. Allele origin: germline.
Comment: For these reasons, this variant has been classified as Pathogenic. This variant has not been reported in the literature in individuals affected with ATM-related conditions. This variant is not present in population databases (gnomAD no frequency). This sequence change creates a premature translational stop signal (p.Lys1904*) in the ATM gene. It is expected to result in an absent or disrupted protein product. Loss-of-function variants in ATM are known to be pathogenic (PMID: 23807571, 25614872).

Literature cited by the submitters: PubMed 23807571; PubMed 25614872.